The following is an entry in ClinVar:

ClinVar aggregate classification (germline): Pathogenic (1 of 4 stars; one submission).

Submission:

Labcorp Genetics (formerly Invitae), Labcorp
Classification: Pathogenic. Last evaluated: 2024-08-16. Review status: criteria provided, single submitter. Criteria: Invitae Variant Classification Sherloc (09022015). Collection method: clinical testing. Allele origin: germline.
Comment: This sequence change affects the initiator methionine of the TSPAN12 mRNA. The next in-frame methionine is located at codon 24. This variant is not present in population databases (gnomAD no frequency). Disruption of the initiator codon has been observed in individuals with familial exudative vitreoretinopathy (PMID: 29181528, 30452590, 31452356). It has also been observed to segregate with disease in related individuals. ClinVar contains an entry for this variant (Variation ID: 1075851). For these reasons, this variant has been classified as Pathogenic.

Literature cited by the submitters: PubMed 29181528; PubMed 30452590; PubMed 31452356.

NM_012338.4(TSPAN12):c.2T>A (p.Met1Lys)

Gene: TSPAN12 (tetraspanin 12; minus strand). Cytogenetic location: 7q31.31.
Variant type: single nucleotide variant.
Coding change: c.2T>A on transcript NM_012338.4 (MANE Select); coding-DNA position 2, T replaced by A.
Protein change: p.Met1Lys; changes the start codon (methionine 1).
Molecular consequence: missense variant, initiator codon variant.
Genome position (GRCh38, 1-based): chr7:120,856,762, A>T on the plus strand (T>A on the coding strand, the complement: TSPAN12 is on the minus strand). VCF-style: chr7-120856762-A-T. GRCh37 (hg19) VCF-style: chr7-120496816-A-T.
Other names: short protein forms M1K.
Identifiers: ClinVar variation 1075851 (VCV001075851.9), dbSNP rs1794878769, ClinGen allele CA369133596.
Genomic context (GRCh38, chr7:120,856,762, plus strand): 5'-AAGAGCAGATTGAGGGCGTAGAGCAGGCAGCGCAGACACTTCACGGAATCTTCTCTGGCC[A>T]TTGTGAGCCCCGTAAGGGAGAAGCCCCATCCTTTCACCACATCCTACTCCCAAGGGCAAA-3'
Protein context (NP_036470.1, residues 1-11): [Met1Lys]AREDSVKCLR